The following is an entry in ClinVar:

NM_022489.4(INF2):c.544A>G (p.Met182Val)

Gene: INF2 (inverted formin 2; plus strand). Cytogenetic location: 14q32.33.
Variant type: single nucleotide variant.
Coding change: c.544A>G on transcript NM_022489.4 (MANE Select); coding-DNA position 544, A replaced by G.
Protein change: p.Met182Val; replaces methionine 182 with valine.
Molecular consequence: missense variant. On other transcripts: non-coding transcript variant (1).
Genome position (GRCh38, 1-based): chr14:104,703,331, A>G. VCF-style: chr14-104703331-A-G. GRCh37 (hg19) VCF-style: chr14-105169668-A-G.
Other names: c.544A>G, p.Met182Val (NM_001031714.4, NM_001426862.1, NM_001426863.1 and 6 more transcripts); short protein forms M182V.
Identifiers: ClinVar variation 3748379 (VCV003748379.3).

ClinVar aggregate classification (germline): Uncertain significance. Review status: criteria provided, multiple submitters, no conflicts (2 of 4 stars). 2 submissions from 2 submitters: Uncertain significance (2). Last evaluated 2025-07-30.

Conditions:
Focal segmental glomerulosclerosis 5 (FSGS5). Identifiers: Orphanet 656, MedGen C2750475, MONDO:0013191, OMIM 613237.
Charcot-Marie-Tooth disease dominant intermediate E. Also called: CHARCOT-MARIE-TOOTH NEUROPATHY WITH FOCAL SEGMENTAL GLOMERULONEPHRITIS. Identifiers: Orphanet 93114, MedGen C4302667, MONDO:0013758, OMIM 614455.

Submissions (2):

ARUP Laboratories, Molecular Genetics and Genomics, ARUP Laboratories
Classification: Uncertain significance. Last evaluated: 2025-07-30. Review status: criteria provided, single submitter. Criteria: ARUP Molecular Germline Variant Investigation Process 2024. Collection method: clinical testing. Allele origin: germline.
Comment: The INF2 c.544A>G; p.Met182Val variant, to our knowledge, is not reported in the medical literature but is reported in ClinVar (Variation ID: 3748379). This variant is absent from the Genome Aggregation Database (v2.1.1), indicating it is not a common polymorphism. Computational analyses are uncertain whether this variant is neutral or deleterious (REVEL: 0.499). Due to limited information, the clinical significance of this variant is uncertain at this time.

Labcorp Genetics (formerly Invitae), Labcorp
Classification: Uncertain significance for Charcot-Marie-Tooth disease dominant intermediate E; Focal segmental glomerulosclerosis 5. Last evaluated: 2024-07-14. Review status: criteria provided, single submitter. Criteria: Invitae Variant Classification Sherloc (09022015). Collection method: clinical testing. Allele origin: germline.
Comment: This sequence change replaces methionine, which is neutral and non-polar, with valine, which is neutral and non-polar, at codon 182 of the INF2 protein (p.Met182Val). This variant is not present in population databases (gnomAD no frequency). This variant has not been reported in the literature in individuals affected with INF2-related conditions. Advanced modeling of protein sequence and biophysical properties (such as structural, functional, and spatial information, amino acid conservation, physicochemical variation, residue mobility, and thermodynamic stability) performed at Invitae indicates that this missense variant is not expected to disrupt INF2 protein function with a negative predictive value of 95%. In summary, the available evidence is currently insufficient to determine the role of this variant in disease. Therefore, it has been classified as a Variant of Uncertain Significance.